The following is an entry in ClinVar:

ClinVar aggregate classification (germline): Uncertain significance. Review status: criteria provided, multiple submitters, no conflicts (2 of 4 stars). 2 submissions from 2 submitters: Uncertain significance (2). Last evaluated 2022-03-22.

Conditions:
Pyruvate dehydrogenase E1-beta deficiency (PDHBD). Identifiers: Orphanet 255138, Orphanet 765, MedGen C3279841, MONDO:0013580, OMIM 614111.

Allele frequency attached by ClinVar (database versions not stated): gnomAD exomes below 0.00001; ExAC 0.00001; gnomAD 0.00001.
gnomAD v4.1: 6 of 1,613,456 alleles (0.00037%); highest among the groups gnomAD compares: Admixed American, 0.0033%; no homozygotes.

Submissions (2):

Labcorp Genetics (formerly Invitae), Labcorp
Classification: Uncertain significance for Pyruvate dehydrogenase E1-beta deficiency. Last evaluated: 2022-03-22. Review status: criteria provided, single submitter. Criteria: Invitae Variant Classification Sherloc (09022015). Collection method: clinical testing. Allele origin: germline.
Comment: This sequence change replaces arginine, which is basic and polar, with glutamine, which is neutral and polar, at codon 71 of the PDHB protein (p.Arg71Gln). This variant is present in population databases (rs772939767, gnomAD 0.003%). This variant has not been reported in the literature in individuals affected with PDHB-related conditions. ClinVar contains an entry for this variant (Variation ID: 901692). Algorithms developed to predict the effect of missense changes on protein structure and function are either unavailable or do not agree on the potential impact of this missense change (SIFT: "Deleterious"; PolyPhen-2: "Benign"; Align-GVGD: "Class C0"). In summary, the available evidence is currently insufficient to determine the role of this variant in disease. Therefore, it has been classified as a Variant of Uncertain Significance.

Illumina Laboratory Services, Illumina
Classification: Uncertain significance for Pyruvate dehydrogenase E1-beta deficiency. Last evaluated: 2018-01-12. Review status: criteria provided, single submitter. Criteria: ICSL Variant Classification Criteria 13 December 2019. Collection method: clinical testing. Allele origin: germline.

NM_000925.4(PDHB):c.212G>A (p.Arg71Gln)

Gene: PDHB (pyruvate dehydrogenase E1 subunit beta; minus strand). Cytogenetic location: 3p14.3.
Variant type: single nucleotide variant.
Coding change: c.212G>A on transcript NM_000925.4 (MANE Select); coding-DNA position 212, G replaced by A.
Protein change: p.Arg71Gln; replaces arginine 71 with glutamine.
Molecular consequence: missense variant. On other transcripts: non-coding transcript variant (1).
Genome position (GRCh38, 1-based): chr3:58,431,786, C>T on the plus strand (G>A on the coding strand, the complement: PDHB is on the minus strand). VCF-style: chr3-58431786-C-T. GRCh37 (hg19) VCF-style: chr3-58417513-C-T.
Other names: c.212G>A, p.Arg71Gln (NM_001173468.2); c.158G>A, p.Arg53Gln (NM_001315536.2); short protein forms R53Q, R71Q.
Identifiers: ClinVar variation 901692 (VCV000901692.5), dbSNP rs772939767, ClinGen allele CA2471621.